The following is an entry in ClinVar:

NM_002055.5(GFAP):c.495C>T (p.Ala165=)

Gene: GFAP (glial fibrillary acidic protein; minus strand). Cytogenetic location: 17q21.31.
Variant type: single nucleotide variant.
Coding change: c.495C>T on transcript NM_002055.5 (MANE Select); coding-DNA position 495, C replaced by T.
Protein change: p.Ala165=; no amino-acid change (alanine 165 retained).
Molecular consequence: synonymous variant.
Genome position (GRCh38, 1-based): chr17:44,914,055, G>A on the plus strand (C>T on the coding strand, the complement: GFAP is on the minus strand). VCF-style: chr17-44914055-G-A. GRCh37 (hg19) VCF-style: chr17-42991423-G-A.
Other names: c.495C>T, p.Ala165= (NM_001131019.3, NM_001242376.3, NM_001363846.2).
Identifiers: ClinVar variation 758625 (VCV000758625.11), dbSNP rs1306438057, ClinGen allele CA500321603.
Genomic context (GRCh38, chr17:44,914,055, plus strand): 5'-CCCTCCCCTGCCCCTCCCCTCCACCTCCCTGACCTGTCTATAGGCAGCCAGGTTGTTCTC[G>A]GCTTCCAGCCTCAGGTTGGTTTCATCCTGGAGCCTGGAGTGGGGGGACACATTCCTGGGT-3'
Protein context (NP_002046.1, residues 155-175): LQDETNLRLE[Ala165=]ENNLAAYRQE

ClinVar aggregate classification (germline): Likely benign. Review status: criteria provided, multiple submitters, no conflicts (2 of 4 stars). 4 submissions from 4 submitters: Likely benign (3). 1 of the submissions does not count toward it. Last evaluated 2025-05-12.

Conditions:
GFAP-related disorder. Also called: GFAP-related disorders; GFAP-related condition.

Allele frequency attached by ClinVar (database versions not stated): gnomAD 0.00001 and 0.00003; gnomAD exomes 0.00001; TOPMed 0.00001.
gnomAD v4.1: 11 of 1,558,432 alleles (0.00071%); highest among the groups gnomAD compares: East Asian, 0.0096%; no homozygotes.

Submissions (4):

Labcorp Genetics (formerly Invitae), Labcorp
Classification: Likely benign. Last evaluated: 2025-05-12. Review status: criteria provided, single submitter. Criteria: Invitae Variant Classification Sherloc (09022015). Collection method: clinical testing. Allele origin: germline.

Blueprint Genetics
Classification: Likely benign. Last evaluated: 2024-02-26. Review status: criteria provided, single submitter. Criteria: ACMG Guidelines, 2015. Collection method: clinical testing. Allele origin: germline.

Women's Health and Genetics/Laboratory Corporation of America, LabCorp
Classification: Likely benign. Last evaluated: 2023-10-17. Review status: criteria provided, single submitter. Criteria: LabCorp Variant Classification Summary - May 2015. Collection method: clinical testing. Allele origin: germline.
Comment: Variant summary: GFAP c.495C>T alters a conserved nucleotide resulting in a synonymous change. The variant allele was found at a frequency of 1.2e-05 in 167258 control chromosomes. The available data on variant occurrences in the general population are insufficient to allow any conclusion about variant significance. To our knowledge, no occurrence of c.495C>T in individuals affected with Alexander Disease and no experimental evidence demonstrating its impact on protein function have been reported. One submitter has cited clinical-significance assessments for this variant to ClinVar after 2014 and has classified the variant as likely benign. Based on the evidence outlined above, the variant was classified as likely benign.

PreventionGenetics, part of Exact Sciences
Classification: Likely benign for GFAP-related condition. Last evaluated: 2019-08-12. Review status: no assertion criteria provided. Collection method: clinical testing. Allele origin: germline. Not counted in ClinVar's aggregate classification.
Comment: This variant is classified as likely benign based on ACMG/AMP sequence variant interpretation guidelines (Richards et al. 2015 PMID: 25741868, with internal and published modifications).